The following is an entry in ClinVar:

NM_001082486.2(ACD):c.1177del (p.Arg393fs)

Gene: ACD (ACD shelterin complex subunit and telomerase recruitment factor; minus strand). Cytogenetic location: 16q22.1.
Variant type: Deletion.
Coding change: c.1177del on transcript NM_001082486.2 (MANE Select); coding-DNA position 1177, one base deleted (A; older notation c.1177delA).
Protein change: p.Arg393fs; shifts the reading frame from arginine 393.
Molecular consequence: frameshift variant.
Genome position (GRCh38, 1-based): chr16:67,658,015, T deleted on the plus strand (A on the coding strand, the reverse complement: ACD is on the minus strand). VCF-style (leftmost placement, unchanged base first): chr16-67658014-CT-C. GRCh37 (hg19) VCF-style: chr16-67691917-CT-C.
Other names: c.1090del, p.Arg364fs (NM_001410884.1); c.1168del, p.Arg390fs (NM_022914.3); short protein forms R390fs, R393fs, R364fs.
Identifiers: ClinVar variation 3657153 (VCV003657153.2).
Genomic context (GRCh38, chr16:67,658,014, plus strand): 5'-CTACCCTCCAGCTGCAGAGGGGCTATGCTCACCCAGACAGAGCAGGGCTCCTGGGCTCCC[CT>C]GGTAGCTCCGGTCCTGGGAAAAGGCGGCCGATTCTTGCAGGGCAACCCTACAAACTCCTT-3'

ClinVar aggregate classification (germline): Uncertain significance (1 of 4 stars; one submission).

Conditions:
Dyskeratosis congenita, autosomal dominant 6 (DKCA6). Identifiers: Orphanet 3322, MedGen C4225284, MONDO:0014690, OMIM 616553.

Submission:

Labcorp Genetics (formerly Invitae), Labcorp
Classification: Uncertain significance for Dyskeratosis congenita, autosomal dominant 6. Last evaluated: 2024-06-20. Review status: criteria provided, single submitter. Criteria: Invitae Variant Classification Sherloc (09022015). Collection method: clinical testing. Allele origin: germline.
Comment: This sequence change creates a premature translational stop signal (p.Arg479Glyfs*54) in the ACD gene. While this is not anticipated to result in nonsense mediated decay, it is expected to disrupt the last 66 amino acid(s) of the ACD protein. This variant is not present in population databases (gnomAD no frequency). This variant has not been reported in the literature in individuals affected with ACD-related conditions. In summary, the available evidence is currently insufficient to determine the role of this variant in disease. Therefore, it has been classified as a Variant of Uncertain Significance.